The following is an entry in ClinVar:

NM_016252.4(BIRC6):c.2017G>C (p.Asp673His)

Gene: BIRC6 (baculoviral IAP repeat containing 6; plus strand). Cytogenetic location: 2p22.3.
Variant type: single nucleotide variant.
Coding change: c.2017G>C on transcript NM_016252.4 (MANE Select); coding-DNA position 2017, G replaced by C.
Protein change: p.Asp673His; replaces aspartic acid 673 with histidine.
Molecular consequence: missense variant.
Genome position (GRCh38, 1-based): chr2:32,415,308, G>C. VCF-style: chr2-32415308-G-C. GRCh37 (hg19) VCF-style: chr2-32640376-G-C.
Other names: c.1933G>C, p.Asp645His (NM_001378125.1); short protein forms D645H, D673H.
Identifiers: ClinVar variation 2630599 (VCV002630599.1), dbSNP rs2042277195, ClinGen allele CA346543109.

ClinVar aggregate classification (germline): Uncertain significance (1 of 4 stars; one submission).

Conditions:
BIRC6-related disorder. Also called: BIRC6-related condition.

gnomAD v4.1: 13 of 1,614,038 alleles (0.00081%); highest among the groups gnomAD compares: Non-Finnish European, 0.0011%; no homozygotes.

Submission:

PreventionGenetics, part of Exact Sciences
Classification: Uncertain significance for BIRC6-related condition. Last evaluated: 2023-02-13. Review status: criteria provided, single submitter. Criteria: ACMG Guidelines, 2015. Collection method: clinical testing. Allele origin: germline.
Comment: The BIRC6 c.2017G>C variant is predicted to result in the amino acid substitution p.Asp673His. To our knowledge, this variant has not been reported in the literature or in a large population database, indicating this variant is rare. At this time, the clinical significance of this variant is uncertain due to the absence of conclusive functional and genetic evidence.